The following is an entry in ClinVar:

ClinVar aggregate classification (germline): Likely benign. Review status: reviewed by expert panel (3 of 4 stars). 4 submissions from 4 submitters: Likely benign (1). 3 of the submissions do not count toward it. Last evaluated 2025-07-01.

Conditions:
Hereditary von Willebrand disease. Identifiers: Orphanet 903, MedGen C5703318, MONDO:0019565. Inheritance: Autosomal recessive or Autosomal dominant.

Allele frequency attached by ClinVar (database versions not stated): gnomAD exomes 0.00077 and 0.00222; ExAC 0.00294; gnomAD 0.00890 and 0.00947; ESP Exome Variant Server 0.00907; 1000 Genomes Project 0.00938; TOPMed 0.01014; 1000 Genomes Project 30x 0.01015.
gnomAD v4.1: 2,591 of 1,614,080 alleles (0.16%); highest among the groups gnomAD compares: African/African-American, 2.9%; 37 homozygotes.

Submissions (4):

ClinGen von Willebrand Disease Variant Curation Expert Panel, ClinGen
Classification: Likely benign for Hereditary von Willebrand disease. Last evaluated: 2025-07-01. Review status: reviewed by expert panel. Criteria: ClinGen VWD 2A B M Rules. Collection method: curation. Allele origin: germline.
Comment: The NM_000552.5:c.7698G>A (p.Lys2566=) variant is a synonymous variant that is not predicted by SpliceAI to impact splicing (BP4, BP7). The Grpmax filtering allele frequency in gnomAD v4.1 is 0.02812 based on 2187/75070 alleles in the African/African American population, including 36 homozygotes, which is higher than the ClinGen VWD VCEP threshold of >0.01 for BS1. In summary, this variant meets the criteria to be classified as likely benign for hereditary von Willebrand disease based on the ACMG/AMP criteria applied, as specified by the ClinGen VWD VCEP: BP4, BP7 BS1. (ClinGen von Willebrand Disease Expert Panel Specifications to the ACMG/AMP Variant Interpretation Guidelines for VWF Version 1.0.0; July 1, 2025)

ARUP Laboratories, Molecular Genetics and Genomics, ARUP Laboratories
Classification: Benign. Last evaluated: 2025-06-27. Review status: criteria provided, single submitter. Criteria: ARUP Molecular Germline Variant Investigation Process 2024. Collection method: clinical testing. Allele origin: germline. Not counted in ClinVar's aggregate classification.

Mayo Clinic Laboratories, Mayo Clinic
Classification: Likely benign. Last evaluated: 2024-05-22. Review status: criteria provided, single submitter. Criteria: ACMG Guidelines, 2015. Collection method: clinical testing. Allele origin: germline. Observed: 7 variant alleles. Not counted in ClinVar's aggregate classification.
Comment: BS1_supporting, BS2, BP4, BP7

Quest Diagnostics Nichols Institute San Juan Capistrano
Classification: Benign. Last evaluated: 2022-06-08. Review status: criteria provided, single submitter. Criteria: Quest Diagnostics criteria. Collection method: clinical testing. Allele origin: unknown. Not counted in ClinVar's aggregate classification.

NM_000552.5(VWF):c.7698G>A (p.Lys2566=)

Gene: VWF (von Willebrand factor; minus strand). Cytogenetic location: 12p13.31.
Variant type: single nucleotide variant.
Coding change: c.7698G>A on transcript NM_000552.5 (MANE Select); coding-DNA position 7698, G replaced by A.
Protein change: p.Lys2566=; no amino-acid change (lysine 2566 retained).
Molecular consequence: synonymous variant.
Genome position (GRCh38, 1-based): chr12:5,969,242, C>T on the plus strand (G>A on the coding strand, the complement: VWF is on the minus strand). VCF-style: chr12-5969242-C-T. GRCh37 (hg19) VCF-style: chr12-6078408-C-T.
Other names: p.Lys2566=; NM_000552.5(VWF):c.7698G>A; c.7698G>A (NM_000552.4).
Identifiers: ClinVar variation 310040 (VCV000310040.10), dbSNP rs16932285, ClinGen allele CA6401585.